The following is an entry in ClinVar:

ClinVar aggregate classification (germline): Uncertain significance. Review status: criteria provided, multiple submitters, no conflicts (2 of 4 stars). 2 submissions from 2 submitters: Uncertain significance (2). Last evaluated 2021-10-25.

Allele frequency attached by ClinVar (database versions not stated): TOPMed below 0.00001; gnomAD exomes 0.00001; ExAC 0.00002.
gnomAD v4.1: 5 of 1,613,508 alleles (0.00031%); highest among the groups gnomAD compares: South Asian, 0.0033%; no homozygotes.

Submissions (2):

Blueprint Genetics
Classification: Uncertain significance. Last evaluated: 2021-10-25. Review status: criteria provided, single submitter. Criteria: ACMG Guidelines, 2015. Collection method: clinical testing. Allele origin: germline.

Labcorp Genetics (formerly Invitae), Labcorp
Classification: Uncertain significance. Last evaluated: 2021-08-30. Review status: criteria provided, single submitter. Criteria: Invitae Variant Classification Sherloc (09022015). Collection method: clinical testing. Allele origin: germline.
Comment: This variant has not been reported in the literature in individuals with SAG-related conditions. Algorithms developed to predict the effect of missense changes on protein structure and function are either unavailable or do not agree on the potential impact of this missense change (SIFT: "Tolerated"; PolyPhen-2: "Possibly Damaging"; Align-GVGD: "Class C0"). In summary, the available evidence is currently insufficient to determine the role of this variant in disease. Therefore, it has been classified as a Variant of Uncertain Significance. This variant is present in population databases (rs748916799, ExAC 0.01%). This sequence change replaces asparagine with serine at codon 250 of the SAG protein (p.Asn250Ser). The asparagine residue is moderately conserved and there is a small physicochemical difference between asparagine and serine.

NM_000541.5(SAG):c.749A>G (p.Asn250Ser)

Gene: SAG (S-antigen visual arrestin; plus strand). Cytogenetic location: 2q37.1.
Variant type: single nucleotide variant.
Coding change: c.749A>G on transcript NM_000541.5 (MANE Select); coding-DNA position 749, A replaced by G.
Protein change: p.Asn250Ser; replaces asparagine 250 with serine.
Molecular consequence: missense variant.
Genome position (GRCh38, 1-based): chr2:233,331,655, A>G. VCF-style: chr2-233331655-A-G. GRCh37 (hg19) VCF-style: chr2-234240301-A-G.
Other names: short protein forms N250S.
Identifiers: ClinVar variation 968785 (VCV000968785.10), dbSNP rs748916799, ClinGen allele CA2174517.